The following is an entry in ClinVar:

NM_000744.7(CHRNA4):c.1412T>C (p.Met471Thr)

Gene: CHRNA4 (cholinergic receptor nicotinic alpha 4 subunit; minus strand). Cytogenetic location: 20q13.33.
Variant type: single nucleotide variant.
Coding change: c.1412T>C on transcript NM_000744.7 (MANE Select); coding-DNA position 1412, T replaced by C.
Protein change: p.Met471Thr; replaces methionine 471 with threonine.
Molecular consequence: missense variant. On other transcripts: non-coding transcript variant (1).
Genome position (GRCh38, 1-based): chr20:63,349,999, A>G on the plus strand (T>C on the coding strand, the complement: CHRNA4 is on the minus strand). VCF-style: chr20-63349999-A-G. GRCh37 (hg19) VCF-style: chr20-61981351-A-G.
Other names: c.884T>C, p.Met295Thr (NM_001256573.2); c.1412T>C (NM_000744.5); short protein forms M471T, M295T.
Identifiers: ClinVar variation 477001 (VCV000477001.10), dbSNP rs1317529556, ClinGen allele CA409633685.

ClinVar aggregate classification (germline): Uncertain significance. Review status: criteria provided, multiple submitters, no conflicts (2 of 4 stars). 3 submissions from 3 submitters: Uncertain significance (3). Last evaluated 2025-06-09.

Conditions:
Autosomal dominant nocturnal frontal lobe epilepsy 1. Also called: CHRNA4-Related Nocturnal Frontal Lobe Epilepsy, Autosomal Dominant; EPILEPSY, NOCTURNAL FRONTAL LOBE, TYPE 1. Identifiers: Orphanet 98784, MedGen C1838049, MONDO:0010899, OMIM 600513.
Familial sleep-related hypermotor epilepsy. Also called: Autosomal Dominant Sleep-Related Hypermotor (Hyperkinetic) Epilepsy. Identifiers: Orphanet 98784, MedGen C3696898, MONDO:0000030.
Inborn genetic diseases. Identifiers: MedGen C0950123, MeSH D030342.

Allele frequency attached by ClinVar (database versions not stated): gnomAD exomes below 0.00001; gnomAD 0.00002; TOPMed 0.00002.
gnomAD v4.1: 6 of 1,545,724 alleles (0.00039%); highest among the groups gnomAD compares: African/African-American, 0.0041%; no homozygotes.

Submissions (3):

Labcorp Genetics (formerly Invitae), Labcorp
Classification: Uncertain significance. Last evaluated: 2025-06-09. Review status: criteria provided, single submitter. Criteria: Invitae Variant Classification Sherloc (09022015). Collection method: clinical testing. Allele origin: germline.
Comment: This sequence change replaces methionine, which is neutral and non-polar, with threonine, which is neutral and polar, at codon 471 of the CHRNA4 protein (p.Met471Thr). The frequency data for this variant in the population databases is considered unreliable, as metrics indicate poor data quality at this position in the gnomAD database. This variant has not been reported in the literature in individuals affected with CHRNA4-related conditions. ClinVar contains an entry for this variant (Variation ID: 477001). An algorithm developed to predict the effect of missense changes on protein structure and function (PolyPhen-2) suggests that this variant is likely to be tolerated. In summary, the available evidence is currently insufficient to determine the role of this variant in disease. Therefore, it has been classified as a Variant of Uncertain Significance.

Ambry Genetics
Classification: Uncertain significance for Inborn genetic diseases. Last evaluated: 2024-12-17. Review status: criteria provided, single submitter. Criteria: Ambry Variant Classification Scheme 2023. Collection method: clinical testing. Allele origin: germline.

Genomic Medicine Center of Excellence, King Faisal Specialist Hospital and Research Centre
Classification: Uncertain significance for Autosomal dominant nocturnal frontal lobe epilepsy 1. Last evaluated: 2024-09-22. Review status: criteria provided, single submitter. Criteria: ACMG Guidelines, 2015. Collection method: clinical testing. Allele origin: germline.